The following is an entry in ClinVar:

ClinVar aggregate classification (germline): Benign/Likely benign. Review status: criteria provided, multiple submitters, no conflicts (2 of 4 stars). 3 submissions from 3 submitters: Benign (1); Likely benign (2). Last evaluated 2025-12-04.

Conditions:
Pheochromocytoma/paraganglioma syndrome 1. Also called: PARAGANGLIOMATA; Glomus tumors familial 1; Paraganglioma - glomus jugulare; SDHD-Related Hereditary Paraganglioma-Pheochromocytoma Syndrome; Paragangliomas 1; PARAGANGLIOMAS, FAMILIAL NONCHROMAFFIN, 1. Identifiers: Orphanet 29072, MedGen C3494181, MONDO:0008192, OMIM 168000.
Pheochromocytoma. Also called: MAX-Related Hereditary Paraganglioma-Pheochromocytoma Syndrome. Identifiers: Orphanet 29072, MedGen C0031511, MONDO:0008233, OMIM 171300, HP:0002666.
Paragangliomas with sensorineural hearing loss. Identifiers: MedGen C1868633.
Cowden syndrome 3 (CWS3). Identifiers: Orphanet 201, MedGen CN166604, MONDO:0014045.
Carney-Stratakis syndrome. Also called: PARAGANGLIOMA AND GASTROINTESTINAL STROMAL TUMOR. Identifiers: Orphanet 97286, MedGen C1847319, MONDO:0011740, OMIM 606864.
Hereditary cancer-predisposing syndrome. Also called: Hereditary neoplastic syndrome; Tumor predisposition; Neoplastic Syndromes, Hereditary; Hereditary Cancer Syndrome. Identifiers: Orphanet 140162, MedGen C0027672, MeSH D009386, MONDO:0015356.

Allele frequency attached by ClinVar (database versions not stated): gnomAD 0.00001.

Submissions (3):

Labcorp Genetics (formerly Invitae), Labcorp
Classification: Likely benign for Carney-Stratakis syndrome; Paragangliomas with sensorineural hearing loss; Pheochromocytoma; Cowden syndrome 3. Last evaluated: 2025-12-04. Review status: criteria provided, single submitter. Criteria: Invitae Variant Classification Sherloc (09022015). Collection method: clinical testing. Allele origin: germline.

Myriad Genetics, Inc.
Classification: Benign for Pheochromocytoma/paraganglioma syndrome 1. Last evaluated: 2025-03-17. Review status: criteria provided, single submitter. Criteria: Myriad Autosomal Dominant, Autosomal Recessive and X-Linked Classification Criteria (2023). Collection method: clinical testing. Allele origin: unknown.
Comment: This variant is considered benign. This variant is a silent/synonymous amino acid change and it is not expected to impact splicing.

Ambry Genetics
Classification: Likely benign for Hereditary cancer-predisposing syndrome. Last evaluated: 2020-07-20. Review status: criteria provided, single submitter. Criteria: Ambry Variant Classification Scheme 2023. Collection method: clinical testing. Allele origin: germline.

NM_003002.4(SDHD):c.231G>C (p.Leu77=)

Gene: SDHD (succinate dehydrogenase complex subunit D; plus strand). Cytogenetic location: 11q23.1.
Variant type: single nucleotide variant.
Coding change: c.231G>C on transcript NM_003002.4 (MANE Select); coding-DNA position 231, G replaced by C.
Protein change: p.Leu77=; no amino-acid change (leucine 77 retained).
Molecular consequence: synonymous variant. On other transcripts: non-coding transcript variant (1), intron variant (1).
Genome position (GRCh38, 1-based): chr11:112,088,928, G>C. VCF-style: chr11-112088928-G-C. GRCh37 (hg19) VCF-style: chr11-111959652-G-C.
Other names: c.114G>C, p.Leu38= (NM_001276504.2); c.231G>C, p.Leu77= (NM_001276506.2); c.169+955G>C (NM_001276503.2).
Identifiers: ClinVar variation 1145905 (VCV001145905.13), dbSNP rs1187106228, ClinGen allele CA476790402.
Genomic context (GRCh38, chr11:112,088,928, plus strand): 5'-TGGCTCCAAGGCTGCATCTCTCCACTGGACTAGCGAGAGGGTTGTCAGTGTTTTGCTCCT[G>C]GGTCTGCTTCCGGCTGCTTATTTGAATCCTTGCTCTGCGATGGACTATTCCCTGGCTGCA-3'
Protein context (NP_002993.1, residues 67-87): TSERVVSVLL[Leu77=]GLLPAAYLNP